The following is an entry in ClinVar:

NM_183357.3(ADCY5):c.1127_1129del (p.Leu376_Lys377delinsGln)

Gene: ADCY5 (adenylate cyclase 5; minus strand). Cytogenetic location: 3q21.1.
Variant type: Deletion.
Coding change: c.1127_1129del on transcript NM_183357.3 (MANE Select); coding-DNA positions 1127 to 1129, 3 bases deleted (TGA; older notation c.1127_1129delTGA).
Protein change: p.Leu376_Lys377delinsGln.
Molecular consequence: inframe indel.
Genome position (GRCh38, 1-based): chr3:123,447,417-123,447,419, TCA deleted on the plus strand (TGA on the coding strand, the reverse complement: ADCY5 is on the minus strand). VCF-style (leftmost placement, unchanged base first): chr3-123447416-TTCA-T. GRCh37 (hg19) VCF-style: chr3-123166263-TTCA-T.
Other names: c.1127_1129del, p.Leu376_Lys377delinsGln (NM_001378259.1).
Identifiers: ClinVar variation 1624738 (VCV001624738.10), dbSNP rs765952713, ClinGen allele CA2577573.

ClinVar aggregate classification (germline): Conflicting classifications of pathogenicity. Review status: criteria provided, conflicting classifications (1 of 4 stars). 3 submissions from 3 submitters: Uncertain significance (2); Likely benign (1). Last evaluated 2025-11-04.

Conditions:
Dyskinesia with orofacial involvement, autosomal recessive. Identifiers: MedGen C5562036, MONDO:0030625, OMIM 619647.

Allele frequency attached by ClinVar (database versions not stated): gnomAD 0.00003 and 0.00004; gnomAD exomes 0.00003 and 0.00010; TOPMed 0.00006; ExAC 0.00025.

Submissions (3):

Labcorp Genetics (formerly Invitae), Labcorp
Classification: Likely benign. Last evaluated: 2025-11-04. Review status: criteria provided, single submitter. Criteria: Invitae Variant Classification Sherloc (09022015). Collection method: clinical testing. Allele origin: germline.

3billion
Classification: Uncertain significance for Dyskinesia with orofacial involvement, autosomal recessive. Last evaluated: 2024-08-19. Review status: criteria provided, single submitter. Criteria: ACMG Guidelines, 2015. Collection method: clinical testing. Allele origin: germline. Affected: yes.
Comment: The variant is observed at an extremely low frequency in the gnomAD v4.0.0 dataset (total allele frequency: 0.003%). Predicted Consequence/Location: Inframe deletion located in a nonrepeat region: predicted to change the length of the protein and disrupt normal protein function. Therefore, this variant is classified as VUS according to the recommendation of ACMG/AMP guideline.

GeneDx
Classification: Uncertain significance. Last evaluated: 2022-01-25. Review status: criteria provided, single submitter. Criteria: GeneDx Variant Classification Process June 2021. Collection method: clinical testing. Allele origin: germline. Affected: yes.
Comment: In-frame deletion of 2 amino acids and insertion of 1 residue in a non-repeat region; In silico analysis supports a deleterious effect on protein structure/function; Has not been previously published as pathogenic or benign to our knowledge